The following is an entry in ClinVar:

NM_002968.3(SALL1):c.3782C>G (p.Pro1261Arg)

Gene: SALL1 (spalt like transcription factor 1; minus strand). Cytogenetic location: 16q12.1.
Variant type: single nucleotide variant.
Coding change: c.3782C>G on transcript NM_002968.3 (MANE Select); coding-DNA position 3782, C replaced by G.
Protein change: p.Pro1261Arg; replaces proline 1261 with arginine.
Molecular consequence: missense variant.
Genome position (GRCh38, 1-based): chr16:51,137,305, G>C on the plus strand (C>G on the coding strand, the complement: SALL1 is on the minus strand). VCF-style: chr16-51137305-G-C. GRCh37 (hg19) VCF-style: chr16-51171216-G-C.
Other names: c.3491C>G, p.Pro1164Arg (NM_001127892.2); short protein forms P1164R, P1261R.
Identifiers: ClinVar variation 1306570 (VCV001306570.8), dbSNP rs376879952, ClinGen allele CA8052828.
Genomic context (GRCh38, chr16:51,137,305, plus strand): 5'-TTTCCCGTCAGCCCACTAACAGGTGAGCTGTTCCCACTGCCGAGGCTTCCAGGAATTGGA[G>C]GGATGCCACCGTTCTGAATGACGGAGATCTCGTTGGCCTTCATCGCCAGCCCGTTGGAGA-3'
Protein context (NP_002959.2, residues 1251-1271): EISVIQNGGI[Pro1261Arg]PIPGSLGSGN

ClinVar aggregate classification (germline): Uncertain significance. Review status: criteria provided, multiple submitters, no conflicts (2 of 4 stars). 4 submissions from 4 submitters: Uncertain significance (3). 1 of the submissions does not count toward it. Last evaluated 2025-08-12.

Conditions:
SALL1-related disorder. Also called: SALL1-related condition.
Townes syndrome (TBS). Also called: Townes-Brocks syndrome. Identifiers: Orphanet 857, MedGen C0265246, MeSH C536974, MONDO:0007142.
Townes-Brocks syndrome 1 (TBS1). Also called: DEAFNESS, SENSORINEURAL, WITH IMPERFORATE ANUS AND THUMB ANOMALIES; REAR SYNDROME; RENAL-EAR-ANAL-RADIAL SYNDROME; SALL1-Related Townes-Brocks Syndrome. Identifiers: Orphanet 857, MedGen C4551481, MONDO:0054581, OMIM 107480.

Allele frequency attached by ClinVar (database versions not stated): TOPMed 0.00001; ExAC 0.00002; gnomAD exomes 0.00002; gnomAD 0.00003; ESP Exome Variant Server 0.00008.
gnomAD v4.1: 24 of 1,614,028 alleles (0.0015%); highest among the groups gnomAD compares: Admixed American, 0.0033%; no homozygotes.

Submissions (4):

Labcorp Genetics (formerly Invitae), Labcorp
Classification: Uncertain significance for Townes syndrome. Last evaluated: 2025-08-12. Review status: criteria provided, single submitter. Criteria: Invitae Variant Classification Sherloc (09022015). Collection method: clinical testing. Allele origin: germline.
Comment: This sequence change replaces proline, which is neutral and non-polar, with arginine, which is basic and polar, at codon 1261 of the SALL1 protein (p.Pro1261Arg). This variant is present in population databases (rs376879952, gnomAD 0.004%). This variant has not been reported in the literature in individuals affected with SALL1-related conditions. ClinVar contains an entry for this variant (Variation ID: 1306570). An algorithm developed to predict the effect of missense changes on protein structure and function (PolyPhen-2) suggests that this variant is likely to be disruptive. In summary, the available evidence is currently insufficient to determine the role of this variant in disease. Therefore, it has been classified as a Variant of Uncertain Significance.

Fulgent Genetics
Classification: Uncertain significance for Townes-Brocks syndrome 1. Last evaluated: 2021-12-06. Review status: criteria provided, single submitter. Criteria: ACMG Guidelines, 2015. Collection method: clinical testing. Allele origin: unknown.

GeneDx
Classification: Uncertain significance. Last evaluated: 2019-03-12. Review status: criteria provided, single submitter. Criteria: GeneDx Variant Classification Process June 2021. Collection method: clinical testing. Allele origin: germline. Affected: yes.
Comment: In silico analysis, which includes protein predictors and evolutionary conservation, supports a deleterious effect; Has not been previously published as pathogenic or benign to our knowledge

PreventionGenetics, part of Exact Sciences
Classification: Uncertain significance for SALL1-related condition. Last evaluated: 2023-10-26. Review status: no assertion criteria provided. Collection method: clinical testing. Allele origin: germline. Not counted in ClinVar's aggregate classification.
Comment: The SALL1 c.3782C>G variant is predicted to result in the amino acid substitution p.Pro1261Arg. To our knowledge, this variant has not been reported in the literature. This variant is reported in 0.0039% of alleles in individuals of European (Non-Finnish) descent in gnomAD. At this time, the clinical significance of this variant is uncertain due to the absence of conclusive functional and genetic evidence.